The following is an entry in ClinVar:

NM_006767.4(LZTR1):c.652-107_672del

Gene: LZTR1 (leucine zipper like post translational regulator 1; plus strand). Cytogenetic location: 22q11.21.
Variant type: Deletion.
Coding change: c.652-107_672del on transcript NM_006767.4 (MANE Select); 107 bases into the intron before coding-DNA position 652 through coding-DNA position 672, 128 bases deleted.
Molecular consequence: splice acceptor variant.
Genome position (GRCh38, 1-based): chr22:20,990,279-20,990,406, 128 bases deleted. GRCh37 (hg19): chr22:21,344,568-21,344,695.
Identifiers: ClinVar variation 4715628 (VCV004715628.1).

ClinVar aggregate classification (germline): Likely pathogenic (1 of 4 stars; one submission).

Submission:

Labcorp Genetics (formerly Invitae), Labcorp
Classification: Likely pathogenic. Last evaluated: 2025-03-21. Review status: criteria provided, single submitter. Criteria: Invitae Variant Classification Sherloc (09022015). Collection method: clinical testing. Allele origin: germline.
Comment: This variant results in the deletion of part of exon 8 (c.652-107_672del) of the LZTR1 gene. It is expected to disrupt RNA splicing. Variants that disrupt the donor or acceptor splice site typically lead to a loss of protein function (PMID: 16199547), and loss-of-function variants in LZTR1 are known to be pathogenic (PMID: 24362817, 25335493, 25480913, 25795793, 29469822, 30368668, 30442762, 30442766, 30481304, 30859559). This variant is not present in population databases (gnomAD no frequency). This variant has not been reported in the literature in individuals affected with LZTR1-related conditions. In summary, the currently available evidence indicates that the variant is pathogenic, but additional data are needed to prove that conclusively. Therefore, this variant has been classified as Likely Pathogenic.

Literature cited by the submitters: PubMed 16199547; PubMed 24362817; PubMed 25335493; PubMed 25480913; PubMed 25795793; PubMed 29469822; PubMed 30368668; PubMed 30442762; PubMed 30442766; PubMed 30481304; PubMed 30859559.